The following is an entry in ClinVar:

ClinVar aggregate classification (germline): Uncertain significance (1 of 4 stars; one submission).

Conditions:
Cardiovascular phenotype. Identifiers: MedGen CN230736.

gnomAD v4.1: 1 of 1,612,518 alleles (0.000062%); highest among the groups gnomAD compares: East Asian, 0.0022%; no homozygotes.

Submission:

Ambry Genetics
Classification: Uncertain significance for Cardiovascular phenotype. Last evaluated: 2024-01-23. Review status: criteria provided, single submitter. Criteria: Ambry Variant Classification Scheme 2023. Collection method: clinical testing. Allele origin: germline.
Comment: The c.225+5G>A intronic variant results from a G to A substitution 5 nucleotides after coding exon 5 in the COL1A2 gene. This nucleotide position is highly conserved in available vertebrate species. In silico splice site analysis predicts that this alteration may result in the creation or strengthening of a novel splice donor site. Based on the available evidence, the clinical significance of this alteration remains unclear.

NM_000089.4(COL1A2):c.225+5G>A

Gene: COL1A2 (collagen type I alpha 2 chain; plus strand). Cytogenetic location: 7q21.3.
Variant type: single nucleotide variant.
Coding change: c.225+5G>A on transcript NM_000089.4 (MANE Select); 5 bases into the intron after coding-DNA position 225, G replaced by A.
Molecular consequence: intron variant.
Genome position (GRCh38, 1-based): chr7:94,400,293, G>A. VCF-style: chr7-94400293-G-A. GRCh37 (hg19) VCF-style: chr7-94029605-G-A.
Identifiers: ClinVar variation 3230278 (VCV003230278.1), dbSNP rs2484693788, ClinGen allele CA2683766636.